The following is an entry in ClinVar:

ClinVar aggregate classification (germline): Uncertain significance. Review status: criteria provided, multiple submitters, no conflicts (2 of 4 stars). 2 submissions from 2 submitters: Uncertain significance (2). Last evaluated 2025-12-16.

Conditions:
Inborn genetic diseases. Identifiers: MedGen C0950123, MeSH D030342.

Allele frequency attached by ClinVar (database versions not stated): gnomAD exomes below 0.00001; TOPMed 0.00001.
gnomAD v4.1: 1 of 1,614,038 alleles (0.000062%); highest among the groups gnomAD compares: African/African-American, 0.0013%; no homozygotes.

Submissions (2):

Ambry Genetics
Classification: Uncertain significance for Inborn genetic diseases. Last evaluated: 2025-12-16. Review status: criteria provided, single submitter. Criteria: Ambry Variant Classification Scheme 2023. Collection method: clinical testing. Allele origin: germline.

Labcorp Genetics (formerly Invitae), Labcorp
Classification: Uncertain significance. Last evaluated: 2023-11-06. Review status: criteria provided, single submitter. Criteria: Invitae Variant Classification Sherloc (09022015). Collection method: clinical testing. Allele origin: germline.
Comment: This sequence change replaces tyrosine, which is neutral and polar, with histidine, which is basic and polar, at codon 1332 of the USH2A protein (p.Tyr1332His). This variant is not present in population databases (gnomAD no frequency). This missense change has been observed in individual(s) with clinical features of USH2A-related conditions (Invitae). ClinVar contains an entry for this variant (Variation ID: 953626). Advanced modeling of protein sequence and biophysical properties (such as structural, functional, and spatial information, amino acid conservation, physicochemical variation, residue mobility, and thermodynamic stability) performed at Invitae indicates that this missense variant is not expected to disrupt USH2A protein function with a negative predictive value of 95%. In summary, the available evidence is currently insufficient to determine the role of this variant in disease. Therefore, it has been classified as a Variant of Uncertain Significance.

NM_206933.4(USH2A):c.3994T>C (p.Tyr1332His)

Genes: USH2A (usherin; minus strand), USH2A-AS1 (USH2A antisense RNA 1; plus strand). Cytogenetic location: 1q41.
Variant type: single nucleotide variant.
Coding change: c.3994T>C on transcript NM_206933.4 (MANE Select); coding-DNA position 3994, T replaced by C.
Protein change: p.Tyr1332His; replaces tyrosine 1332 with histidine.
Molecular consequence: missense variant.
Genome position (GRCh38, 1-based): chr1:216,198,402, A>G on the plus strand (T>C on the coding strand, the complement: USH2A is on the minus strand). VCF-style: chr1-216198402-A-G. GRCh37 (hg19) VCF-style: chr1-216371744-A-G.
Other names: c.3994T>C, p.Tyr1332His (NM_007123.6); short protein forms Y1332H.
Identifiers: ClinVar variation 953626 (VCV000953626.6), dbSNP rs2034902104, ClinGen allele CA344867031.
Genomic context (GRCh38, chr1:216,198,402, plus strand): 5'-AGGCAGAAGACACACTTCCAGCCATATTCACAGCTAAGACTCTGAACTCATACTTGGTGT[A>G]TGGCTCCAAGCCAGTGATGGTTGTCATTGTTTGAGGAGGTTTTAATGCATTTTCATTGGC-3'
Protein context (NP_996816.3, residues 1322-1342): TMTTITGLEP[Tyr1332His]TKYEFRVLAV